The following is an entry in ClinVar:

NM_000278.5(PAX2):c.449C>T (p.Thr150Met)

Gene: PAX2 (paired box 2; plus strand). Cytogenetic location: 10q24.31.
Variant type: single nucleotide variant.
Coding change: c.449C>T on transcript NM_000278.5 (MANE Select); coding-DNA position 449, C replaced by T.
Protein change: p.Thr150Met; replaces threonine 150 with methionine.
Molecular consequence: missense variant.
Genome position (GRCh38, 1-based): chr10:100,779,536, C>T. VCF-style: chr10-100779536-C-T. GRCh37 (hg19) VCF-style: chr10-102539293-C-T.
Other names: c.542C>T, p.Thr181Met (NM_001304569.2); c.449C>T, p.Thr150Met (NM_003987.5, NM_003988.5, NM_003989.5 and 1 more transcripts); short protein forms T150M, T181M.
Identifiers: ClinVar variation 2194764 (VCV002194764.6), dbSNP rs373723559, ClinGen allele CA5650726.
Genomic context (GRCh38, chr10:100,779,536, plus strand): 5'-TGCTGTTGTGACGCTGTTGCAGAATCATCCGGACCAAAGTTCAGCAGCCTTTCCACCCAA[C>T]GCCGGATGGGGCTGGGACAGGAGTGACCGCCCCTGGCCACACCATTGGTAAGAGGGCTCA-3'
Protein context (NP_000269.3, residues 140-160): RTKVQQPFHP[Thr150Met]PDGAGTGVTA

ClinVar aggregate classification (germline): Conflicting classifications of pathogenicity. Review status: criteria provided, conflicting classifications (1 of 4 stars). 3 submissions from 3 submitters: Uncertain significance (1); Likely benign (2). Last evaluated 2024-06-15.

Conditions:
Focal segmental glomerulosclerosis 7 (FSGS7). Identifiers: Orphanet 656, MedGen C4014925, MONDO:0014451, OMIM 616002.
Renal coloboma syndrome (PAPRS). Also called: COLOBOMA OF OPTIC NERVE WITH RENAL DISEASE; PAPILLORENAL SYNDROME WITH MILD OCULAR ABNORMALITIES; CONGENITAL ANOMALIES OF THE KIDNEY AND URINARY TRACT WITH OR WITHOUT OCULAR ABNORMALITIES; CAKUT WITH OR WITHOUT OCULAR ABNORMALITIES; PAPILLORENAL SYNDROME; OPTIC COLOBOMA, VESICOURETERAL REFLUX, AND RENAL ANOMALIES. Identifiers: Orphanet 1475, MedGen C1852759, MONDO:0007352, OMIM 120330.

Allele frequency attached by ClinVar (database versions not stated): ESP Exome Variant Server 0.00008; gnomAD 0.00014; TOPMed 0.00014.
gnomAD v4.1: 60 of 1,597,362 alleles (0.0038%); highest among the groups gnomAD compares: Admixed American, 0.055%; no homozygotes.

Submissions (3):

Fulgent Genetics
Classification: Likely benign for Renal coloboma syndrome; Focal segmental glomerulosclerosis 7. Last evaluated: 2024-06-15. Review status: criteria provided, single submitter. Criteria: ACMG Guidelines, 2015. Collection method: clinical testing. Allele origin: germline.

Labcorp Genetics (formerly Invitae), Labcorp
Classification: Uncertain significance for Renal coloboma syndrome; Focal segmental glomerulosclerosis 7. Last evaluated: 2023-06-08. Review status: criteria provided, single submitter. Criteria: Invitae Variant Classification Sherloc (09022015). Collection method: clinical testing. Allele origin: germline.
Comment: In summary, the available evidence is currently insufficient to determine the role of this variant in disease. Therefore, it has been classified as a Variant of Uncertain Significance. An algorithm developed to predict the effect of missense changes on protein structure and function (PolyPhen-2) suggests that this variant is likely to be disruptive. ClinVar contains an entry for this variant (Variation ID: 2194764). This variant has not been reported in the literature in individuals affected with PAX2-related conditions. This variant is present in population databases (rs373723559, gnomAD 0.04%), and has an allele count higher than expected for a pathogenic variant. This sequence change replaces threonine, which is neutral and polar, with methionine, which is neutral and non-polar, at codon 150 of the PAX2 protein (p.Thr150Met).

Blueprint Genetics
Classification: Likely benign. Last evaluated: 2022-01-17. Review status: criteria provided, single submitter. Criteria: ACMG Guidelines, 2015. Collection method: clinical testing. Allele origin: germline.